The following is an entry in ClinVar:

NM_017654.4(SAMD9):c.1354G>C (p.Val452Leu)

Gene: SAMD9 (sterile alpha motif domain containing 9; minus strand). Cytogenetic location: 7q21.2.
Variant type: single nucleotide variant.
Coding change: c.1354G>C on transcript NM_017654.4 (MANE Select); coding-DNA position 1354, G replaced by C.
Protein change: p.Val452Leu; replaces valine 452 with leucine.
Molecular consequence: missense variant.
Genome position (GRCh38, 1-based): chr7:93,104,744, C>G on the plus strand (G>C on the coding strand, the complement: SAMD9 is on the minus strand). VCF-style: chr7-93104744-C-G. GRCh37 (hg19) VCF-style: chr7-92734057-C-G.
Other names: c.1354G>C, p.Val452Leu (NM_001193307.2); short protein forms V452L.
Identifiers: ClinVar variation 3792170 (VCV003792170.1).

ClinVar aggregate classification (germline): Uncertain significance (1 of 4 stars; one submission).

Conditions:
Inborn genetic diseases. Identifiers: MedGen C0950123, MeSH D030342.

Submission:

Ambry Genetics
Classification: Uncertain significance for Inborn genetic diseases. Last evaluated: 2025-03-12. Review status: criteria provided, single submitter. Criteria: Ambry Variant Classification Scheme 2023. Collection method: clinical testing. Allele origin: germline.
Comment: The p.V452L variant (also known as c.1354G>C), located in coding exon 1 of the SAMD9 gene, results from a G to C substitution at nucleotide position 1354. The valine at codon 452 is replaced by leucine, an amino acid with highly similar properties. This amino acid position is conserved. In addition, this alteration is predicted to be tolerated by in silico analysis. Based on the available evidence, the clinical significance of this variant remains unclear.